The following is an entry in ClinVar:

ClinVar aggregate classification (germline): Uncertain significance (1 of 4 stars; one submission).

Submission:

Mayo Clinic Laboratories, Mayo Clinic
Classification: Uncertain significance. Last evaluated: 2022-08-16. Review status: criteria provided, single submitter. Criteria: ACMG Guidelines, 2015. Collection method: clinical testing. Allele origin: germline. Observed: 1 variant allele.
Comment: BP4, PM2_supporting

NM_000064.4(C3):c.4336A>G (p.Ile1446Val)

Gene: C3 (complement C3; minus strand). Cytogenetic location: 19p13.3.
Variant type: single nucleotide variant.
Coding change: c.4336A>G on transcript NM_000064.4 (MANE Select); coding-DNA position 4336, A replaced by G.
Protein change: p.Ile1446Val; replaces isoleucine 1446 with valine.
Molecular consequence: missense variant.
Genome position (GRCh38, 1-based): chr19:6,681,955, T>C on the plus strand (A>G on the coding strand, the complement: C3 is on the minus strand). VCF-style: chr19-6681955-T-C. GRCh37 (hg19) VCF-style: chr19-6681966-T-C.
Other names: p.Ile1446Val; short protein forms I1446V.
Identifiers: ClinVar variation 2683469 (VCV002683469.1), dbSNP rs2512229291, ClinGen allele CA403614548.
Genomic context (GRCh38, chr19:6,681,955, plus strand): 5'-CAGGGTGCCCCTGGAAGCCTCCCAGGGGAGGATGATGCAGCCTTACCTTGTCCAGGTAGA[T>C]GATGAGGGTGTTCCTATCGGAGAAGGCTTTGTCCAGCTCATACTTGGAGATGTATCTGTC-3'
Protein context (NP_000055.2, residues 1436-1456): KAFSDRNTLI[Ile1446Val]YLDKVSHSED